The following is an entry in ClinVar:

ClinVar aggregate classification (germline): Likely benign (1 of 4 stars; one submission).

gnomAD v4.1: 1 of 1,612,156 alleles (0.000062%); highest among the groups gnomAD compares: Non-Finnish European, 0.000085%; no homozygotes.

Submission:

CeGaT Center for Human Genetics Tuebingen
Classification: Likely benign. Last evaluated: 2024-09-01. Review status: criteria provided, single submitter. Criteria: CeGaT Center For Human Genetics Tuebingen Variant Classification Criteria Version 2. Collection method: clinical testing. Allele origin: germline. Affected: yes. Observed: 1 variant allele.
Comment: EP300: BP4

NM_001429.4(EP300):c.3852A>G (p.Lys1284=)

Gene: EP300 (EP300 lysine acetyltransferase; plus strand). Cytogenetic location: 22q13.2.
Variant type: single nucleotide variant.
Coding change: c.3852A>G on transcript NM_001429.4 (MANE Select); coding-DNA position 3852, A replaced by G.
Protein change: p.Lys1284=; no amino-acid change (lysine 1284 retained).
Molecular consequence: synonymous variant.
Genome position (GRCh38, 1-based): chr22:41,166,644, A>G. VCF-style: chr22-41166644-A-G. GRCh37 (hg19) VCF-style: chr22-41562648-A-G.
Other names: c.3774A>G, p.Lys1258= (NM_001362843.2).
Identifiers: ClinVar variation 3389650 (VCV003389650.14).